The following is an entry in ClinVar:

NM_000051.4(ATM):c.5006-2A>G

Gene: ATM (ATM serine/threonine kinase; plus strand). Cytogenetic location: 11q22.3.
Variant type: single nucleotide variant.
Coding change: c.5006-2A>G on transcript NM_000051.4 (MANE Select); the canonical splice acceptor site of the intron before coding-DNA position 5006, A replaced by G.
Molecular consequence: splice acceptor variant.
Genome position (GRCh38, 1-based): chr11:108,299,712, A>G. VCF-style: chr11-108299712-A-G. GRCh37 (hg19) VCF-style: chr11-108170439-A-G.
Other names: c.5006-2A>G (NM_001351834.2).
Identifiers: ClinVar variation 1067747 (VCV001067747.12), dbSNP rs2135887733, ClinGen allele CA382539956.

ClinVar aggregate classification (germline): Conflicting classifications of pathogenicity. Review status: criteria provided, conflicting classifications (1 of 4 stars). 2 submissions from 2 submitters: Likely pathogenic (1); Uncertain significance (1). Last evaluated 2026-03-24.

Conditions:
Hereditary cancer-predisposing syndrome. Also called: Hereditary neoplastic syndrome; Neoplastic Syndromes, Hereditary; Tumor predisposition; Hereditary Cancer Syndrome. Identifiers: Orphanet 140162, MedGen C0027672, MeSH D009386, MONDO:0015356.
Ataxia-telangiectasia syndrome (AT). Also called: Ataxia telangiectasia (A-T); LOUIS-BAR SYNDROME; AT, COMPLEMENTATION GROUP C; Ataxia-telangiectasia, complementation group E; Ataxia-telangiectasia, complementation group D; Ataxia-telangiectasia. Identifiers: Orphanet 100, MedGen C0004135, MONDO:0008840, OMIM 208900.

gnomAD v4.1: 1 of 1,613,500 alleles (0.000062%); highest among the groups gnomAD compares: Non-Finnish European, 0.000085%; no homozygotes.

Submissions (2):

Ambry Genetics
Classification: Uncertain significance for Hereditary cancer-predisposing syndrome. Last evaluated: 2026-03-24. Review status: criteria provided, single submitter. Criteria: Ambry Variant Classification Scheme 2023. Collection method: clinical testing. Allele origin: germline.
Comment: The c.5006-2A>G intronic variant results from an A to G substitution two nucleotides upstream from coding exon 33 in the ATM gene. This nucleotide position is highly conserved in available vertebrate species. In silico splice site analysis predicts that this alteration will weaken the native splice acceptor site and will result in the creation or strengthening of a novel splice acceptor site. RNA studies have demonstrated that this alteration results in a transcript predicted to lead to a protein with an in-frame insertion of 5 amino acids; however, the exact functional impact of the inserted amino acids is unknown at this time (Ambry internal data). Based on the available evidence, the clinical significance of this variant remains unclear.

Labcorp Genetics (formerly Invitae), Labcorp
Classification: Likely pathogenic for Ataxia-telangiectasia syndrome. Last evaluated: 2025-10-16. Review status: criteria provided, single submitter. Criteria: Invitae Variant Classification Sherloc (09022015). Collection method: clinical testing. Allele origin: germline.
Comment: This sequence change affects an acceptor splice site in intron 33 of the ATM gene. It is expected to disrupt RNA splicing. Variants that disrupt the donor or acceptor splice site typically lead to a loss of protein function (PMID: 16199547), and loss-of-function variants in ATM are known to be pathogenic (PMID: 23807571, 25614872). This variant is not present in population databases (gnomAD no frequency). Disruption of this splice site has been observed in individual(s) with chronic lymphocytic leukemia (PMID: 21933854). ClinVar contains an entry for this variant (Variation ID: 1067747). Studies have shown that disruption of this splice site is associated with inconclusive levels of altered splicing (internal data). In summary, the currently available evidence indicates that the variant is pathogenic, but additional data are needed to prove that conclusively. Therefore, this variant has been classified as Likely Pathogenic.

Literature cited by the submitters: PubMed 16199547 (cited by Labcorp Genetics (formerly Invitae), Labcorp); PubMed 23807571 (cited by Labcorp Genetics (formerly Invitae), Labcorp); PubMed 25614872 (cited by Labcorp Genetics (formerly Invitae), Labcorp); PubMed 21933854 (cited by Labcorp Genetics (formerly Invitae), Labcorp).